The following is an entry in ClinVar:

NM_001365951.3(KIF1B):c.392A>G (p.Asn131Ser)

Genes: KIF1B (kinesin family member 1B; plus strand), LOC129388447 (MPRA-validated peak65 silencer; plus strand). Cytogenetic location: 1p36.22.
Variant type: single nucleotide variant.
Coding change: c.392A>G on transcript NM_001365951.3 (MANE Select); coding-DNA position 392, A replaced by G.
Protein change: p.Asn131Ser; replaces asparagine 131 with serine.
Molecular consequence: missense variant.
Genome position (GRCh38, 1-based): chr1:10,261,933, A>G. VCF-style: chr1-10261933-A-G. GRCh37 (hg19) VCF-style: chr1-10321991-A-G.
Other names: c.392A>G, p.Asn131Ser (NM_001365952.1, NM_001365953.1, NM_015074.3 and 1 more transcripts); short protein forms N131S.
Identifiers: ClinVar variation 943303 (VCV000943303.37), dbSNP rs776533873, ClinGen allele CA580688.

ClinVar aggregate classification (germline): Conflicting classifications of pathogenicity. Review status: criteria provided, conflicting classifications (1 of 4 stars). 4 submissions from 4 submitters: Uncertain significance (2); Likely benign (2). Last evaluated 2024-01-23.

Conditions:
Neuroblastoma, susceptibility to, 1. Identifiers: MedGen C2749485, MONDO:0009741, OMIM 256700.
Charcot-Marie-Tooth disease type 2A1. Also called: HEREDITARY MOTOR AND SENSORY NEUROPATHY IIA1; CHARCOT-MARIE-TOOTH DISEASE, AXONAL, TYPE 2A1; CHARCOT-MARIE-TOOTH DISEASE, AXONAL, AUTOSOMAL DOMINANT, TYPE 2A1; CHARCOT-MARIE-TOOTH DISEASE, NEURONAL, TYPE 2A1; CHARCOT-MARIE-TOOTH NEUROPATHY, TYPE 2A1. Identifiers: Orphanet 99946, MedGen C1861678, MONDO:0007308, OMIM 118210.
Charcot-Marie-Tooth disease type 2. Also called: Charcot-Marie-Tooth type 2. Identifiers: Orphanet 64746, MedGen C0270914, MONDO:0018993.

Allele frequency attached by ClinVar (database versions not stated): gnomAD 0.00001 and 0.00002; TOPMed 0.00001; gnomAD exomes 0.00003; ExAC 0.00004.
gnomAD v4.1: 35 of 1,612,082 alleles (0.0022%); highest among the groups gnomAD compares: Middle Eastern, 0.016%; no homozygotes.

Submissions (4):

Fulgent Genetics
Classification: Uncertain significance for Charcot-Marie-Tooth disease type 2A1; Neuroblastoma, susceptibility to, 1. Last evaluated: 2024-01-23. Review status: criteria provided, single submitter. Criteria: ACMG Guidelines, 2015. Collection method: clinical testing. Allele origin: germline.

CeGaT Center for Human Genetics Tuebingen
Classification: Likely benign. Last evaluated: 2023-03-01. Review status: criteria provided, single submitter. Criteria: CeGaT Center For Human Genetics Tuebingen Variant Classification Criteria Version 2. Collection method: clinical testing. Allele origin: germline. Affected: yes. Observed: 1 variant allele.
Comment: KIF1B: BS2

Ambry Genetics
Classification: Likely benign. Last evaluated: 2021-07-14. Review status: criteria provided, single submitter. Criteria: Ambry Variant Classification Scheme 2023. Collection method: clinical testing. Allele origin: germline.

Labcorp Genetics (formerly Invitae), Labcorp
Classification: Uncertain significance for Charcot-Marie-Tooth disease type 2. Last evaluated: 2021-03-05. Review status: criteria provided, single submitter. Criteria: Invitae Variant Classification Sherloc (09022015). Collection method: clinical testing. Allele origin: germline.
Comment: This sequence change replaces asparagine with serine at codon 131 of the KIF1B protein (p.Asn131Ser). The asparagine residue is moderately conserved and there is a small physicochemical difference between asparagine and serine. This variant is present in population databases (rs776533873, ExAC 0.02%). This variant has not been reported in the literature in individuals with KIF1B-related conditions. Algorithms developed to predict the effect of missense changes on protein structure and function (SIFT, PolyPhen-2, Align-GVGD) all suggest that this variant is likely to be tolerated, but these predictions have not been confirmed by published functional studies and their clinical significance is uncertain. In summary, the available evidence is currently insufficient to determine the role of this variant in disease. Therefore, it has been classified as a Variant of Uncertain Significance.